The following is an entry in ClinVar:

ClinVar aggregate classification (germline): Uncertain significance (1 of 4 stars; one submission).

Allele frequency attached by ClinVar (database versions not stated): gnomAD exomes 0.00001; ExAC 0.00002; ESP Exome Variant Server 0.00008.
gnomAD v4.1: 8 of 1,614,124 alleles (0.0005%); highest among the groups gnomAD compares: Middle Eastern, 0.016%; no homozygotes.

Submission:

Labcorp Genetics (formerly Invitae), Labcorp
Classification: Uncertain significance. Last evaluated: 2022-07-06. Review status: criteria provided, single submitter. Criteria: Invitae Variant Classification Sherloc (09022015). Collection method: clinical testing. Allele origin: germline.
Comment: This sequence change replaces valine, which is neutral and non-polar, with methionine, which is neutral and non-polar, at codon 642 of the LRP5 protein (p.Val642Met). This variant is present in population databases (rs371615673, gnomAD 0.003%). In summary, the available evidence is currently insufficient to determine the role of this variant in disease. Therefore, it has been classified as a Variant of Uncertain Significance. Algorithms developed to predict the effect of missense changes on protein structure and function are either unavailable or do not agree on the potential impact of this missense change (SIFT: "Deleterious"; PolyPhen-2: "Possibly Damaging"; Align-GVGD: "Class C0"). ClinVar contains an entry for this variant (Variation ID: 1408415). This variant has not been reported in the literature in individuals affected with LRP5-related conditions.

NM_002335.4(LRP5):c.1924G>A (p.Val642Met)

Gene: LRP5 (LDL receptor related protein 5; plus strand). Cytogenetic location: 11q13.2.
Variant type: single nucleotide variant.
Coding change: c.1924G>A on transcript NM_002335.4 (MANE Select); coding-DNA position 1924, G replaced by A.
Protein change: p.Val642Met; replaces valine 642 with methionine.
Molecular consequence: missense variant.
Genome position (GRCh38, 1-based): chr11:68,406,646, G>A. VCF-style: chr11-68406646-G-A. GRCh37 (hg19) VCF-style: chr11-68174114-G-A.
Other names: c.181G>A, p.Val61Met (NM_001291902.2); short protein forms V642M, V61M.
Identifiers: ClinVar variation 1408415 (VCV001408415.7), dbSNP rs371615673, ClinGen allele CA6149487.
Genomic context (GRCh38, chr11:68,406,646, plus strand): 5'-GCAACCCGGTGTGGCTGCCCCATCGGCCTGGAGCTGCTGAGTGACATGAAGACCTGCATC[G>A]TGCCTGAGGCCTTCTTGGTCTTCACCAGCAGAGCCGCCATCCACAGGATCTCCCTCGAGA-3'
Protein context (NP_002326.2, residues 632-652): ELLSDMKTCI[Val642Met]PEAFLVFTSR